The following is an entry in ClinVar:

NM_020163.3(SEMA3G):c.1328G>A (p.Arg443His)

Gene: SEMA3G (semaphorin 3G; minus strand). Cytogenetic location: 3p21.1.
Variant type: single nucleotide variant.
Coding change: c.1328G>A on transcript NM_020163.3 (MANE Select); coding-DNA position 1328, G replaced by A.
Protein change: p.Arg443His; replaces arginine 443 with histidine.
Molecular consequence: missense variant.
Genome position (GRCh38, 1-based): chr3:52,439,914, C>T on the plus strand (G>A on the coding strand, the complement: SEMA3G is on the minus strand). VCF-style: chr3-52439914-C-T. GRCh37 (hg19) VCF-style: chr3-52473930-C-T.
Other names: c.1328G>A (NM_020163.2); short protein forms R443H.
Identifiers: ClinVar variation 2360411 (VCV002360411.6), dbSNP rs199949304, ClinGen allele CA2437985.

ClinVar aggregate classification (germline): Uncertain significance. Review status: criteria provided, multiple submitters, no conflicts (2 of 4 stars). 2 submissions from 2 submitters: Uncertain significance (2). Last evaluated 2026-02-16.

Conditions:
SEMA3G-related disorder. Also called: SEMA3G-related condition.

Allele frequency attached by ClinVar (database versions not stated): ExAC 0.00015; gnomAD 0.00016; TOPMed 0.00018; ESP Exome Variant Server 0.00031; gnomAD exomes 0.00032.
gnomAD v4.1: 504 of 1,613,688 alleles (0.031%); highest among the groups gnomAD compares: Non-Finnish European, 0.038%; no homozygotes.

Submissions (2):

PreventionGenetics, part of Exact Sciences
Classification: Uncertain significance for SEMA3G-related condition. Last evaluated: 2026-02-16. Review status: criteria provided, single submitter. Criteria: ACMG Guidelines, 2015. Collection method: clinical testing. Allele origin: germline.
Comment: The SEMA3G c.1328G>A variant is predicted to result in the amino acid substitution p.Arg443His. To our knowledge, this variant has not been reported in the literature. This variant is reported in 0.025% of alleles in individuals of European (Non-Finnish) descent in gnomAD. At this time, the clinical significance of this variant is uncertain due to the absence of conclusive functional and genetic evidence.

Ambry Genetics
Classification: Uncertain significance. Last evaluated: 2025-01-16. Review status: criteria provided, single submitter. Criteria: Ambry Variant Classification Scheme 2023. Collection method: clinical testing. Allele origin: germline.